The following is an entry in ClinVar:

NM_000293.3(PHKB):c.307C>T (p.Arg103Ter)

Gene: PHKB (phosphorylase kinase regulatory subunit beta; plus strand). Cytogenetic location: 16q12.1.
Variant type: single nucleotide variant.
Coding change: c.307C>T on transcript NM_000293.3 (MANE Select); coding-DNA position 307, C replaced by T.
Protein change: p.Arg103Ter; replaces arginine 103 with a stop codon.
Molecular consequence: nonsense.
Genome position (GRCh38, 1-based): chr16:47,502,992, C>T. VCF-style: chr16-47502992-C-T. GRCh37 (hg19) VCF-style: chr16-47536903-C-T.
Other names: c.286C>T, p.Arg96Ter (NM_001031835.3); c.307C>T, p.Arg103Ter (NM_001363837.1); c.286C>T (NM_001031835.2); short protein forms R103*, R96*.
Identifiers: ClinVar variation 426940 (VCV000426940.6), dbSNP rs145166656, ClinGen allele CA8040444.

ClinVar aggregate classification (germline): Pathogenic/Likely pathogenic. Review status: criteria provided, multiple submitters, no conflicts (2 of 4 stars). 4 submissions from 4 submitters: Pathogenic (2); Likely pathogenic (2). Last evaluated 2026-08-04.

Conditions:
PHKB-related disorder. Also called: PHKB-related condition.
Glycogen phosphorylase kinase deficiency. Also called: Phosphorylase Kinase Deficiency; Glycogen Storage Disease Type IX. Identifiers: Orphanet 370, MedGen C0268147, MONDO:0700291.
Glycogen storage disease IXb (GSD9B). Also called: PHOSPHORYLASE KINASE DEFICIENCY OF LIVER AND MUSCLE, AUTOSOMAL RECESSIVE; GLYCOGENOSIS OF LIVER AND MUSCLE, AUTOSOMAL RECESSIVE; GSD IXb. Identifiers: Orphanet 79240, MedGen C0543514, MONDO:0009868, OMIM 261750.

Allele frequency attached by ClinVar (database versions not stated): gnomAD 0.00001; TOPMed 0.00001; gnomAD exomes 0.00002 and 0.00004; ExAC 0.00003; ESP Exome Variant Server 0.00008.
gnomAD v4.1: 25 of 1,606,170 alleles (0.0016%); highest among the groups gnomAD compares: Admixed American, 0.0083%; no homozygotes.

Submissions (4):

PreventionGenetics, part of Exact Sciences
Classification: Likely pathogenic for PHKB-related condition. Last evaluated: 2026-08-04. Review status: criteria provided, single submitter. Criteria: ACMG Guidelines, 2015. Collection method: clinical testing. Allele origin: germline.
Comment: The PHKB c.286C>T variant is predicted to result in premature protein termination (p.Arg96*). This variant has not been reported in the literature. This variant is reported in 0.012% of alleles in individuals of Latino descent in gnomAD. Nonsense variants in PHKB are expected to be pathogenic. This variant is interpreted as likely pathogenic.

Labcorp Genetics (formerly Invitae), Labcorp
Classification: Pathogenic for Glycogen storage disease IXb. Last evaluated: 2025-03-24. Review status: criteria provided, single submitter. Criteria: Invitae Variant Classification Sherloc (09022015). Collection method: clinical testing. Allele origin: germline.
Comment: This sequence change creates a premature translational stop signal (p.Arg103*) in the PHKB gene. It is expected to result in an absent or disrupted protein product. Loss-of-function variants in PHKB are known to be pathogenic (PMID: 9215682, 9326319). This variant is present in population databases (rs145166656, gnomAD 0.01%). This variant has not been reported in the literature in individuals affected with PHKB-related conditions. ClinVar contains an entry for this variant (Variation ID: 426940). For these reasons, this variant has been classified as Pathogenic.

Women's Health and Genetics/Laboratory Corporation of America, LabCorp
Classification: Likely pathogenic for Glycogen phosphorylase kinase deficiency. Last evaluated: 2023-03-23. Review status: criteria provided, single submitter. Criteria: LabCorp Variant Classification Summary - May 2015. Collection method: clinical testing. Allele origin: germline.
Comment: Variant summary: PHKB c.307C>T (p.Arg103X) results in a premature termination codon, predicted to cause a truncation of the encoded protein or absence of the protein due to nonsense mediated decay, which are commonly known mechanisms for disease. The variant allele was found at a frequency of 4e-05 in 251144 control chromosomes. This frequency is not significantly higher than estimated for a pathogenic variant in PHKB causing Glycogen Phosphorylase Kinase Deficiency (4e-05 vs 0.0011), allowing no conclusion about variant significance. To our knowledge, no occurrence of c.307C>T in individuals affected with Glycogen Phosphorylase Kinase Deficiency and no experimental evidence demonstrating its impact on protein function have been reported. One clinical diagnostic laboratory has submitted clinical-significance assessments for this variant to ClinVar after 2014 without evidence for independent evaluation. One laboratory classified the variant as pathogenic. Based on the evidence outlined above, the variant was classified as likely pathogenic.

GeneDx
Classification: Pathogenic. Last evaluated: 2017-03-24. Review status: criteria provided, single submitter. Criteria: GeneDx Variant Classification (06012015). Collection method: clinical testing. Allele origin: germline. Affected: yes.
Comment: The R103X variant in the PHKB gene has not been reported previously as a pathogenic variant nor as a benign variant, to our knowledge. This variant is predicted to cause loss of normal protein function either through protein truncation or nonsense-mediated mRNA decay. The R103X variant is not observed at a significant frequency in large population cohorts (Lek et al., 2016; 1000 Genomes Consortium et al., 2015; Exome Variant Server). We interpret R103X as a pathogenic variant.

Literature cited by the submitters: PubMed 9215682 (cited by Labcorp Genetics (formerly Invitae), Labcorp); PubMed 9326319 (cited by Labcorp Genetics (formerly Invitae), Labcorp).